The following is an entry in ClinVar:

ClinVar aggregate classification (germline): Likely benign (1 of 4 stars; one submission).

Conditions:
PCLO-related disorder. Also called: PCLO-related condition.

Submission:

PreventionGenetics, part of Exact Sciences
Classification: Likely benign for PCLO-related condition. Last evaluated: 2025-05-23. Review status: criteria provided, single submitter. Criteria: ACMG Guidelines, 2015. Collection method: clinical testing. Allele origin: germline.
Comment: This variant is classified as likely benign based on ACMG/AMP sequence variant interpretation guidelines (Richards et al. 2015 PMID: 25741868, with internal and published modifications).

NM_033026.6(PCLO):c.1641A>G (p.Ala547=)

Gene: PCLO (piccolo presynaptic cytomatrix protein; minus strand). Cytogenetic location: 7q21.11.
Variant type: single nucleotide variant.
Coding change: c.1641A>G on transcript NM_033026.6 (MANE Select); coding-DNA position 1641, A replaced by G.
Protein change: p.Ala547=; no amino-acid change (alanine 547 retained).
Molecular consequence: synonymous variant.
Genome position (GRCh38, 1-based): chr7:83,155,000, T>C on the plus strand (A>G on the coding strand, the complement: PCLO is on the minus strand). VCF-style: chr7-83155000-T-C. GRCh37 (hg19) VCF-style: chr7-82784316-T-C.
Other names: c.1641A>G, p.Ala547= (NM_014510.3).
Identifiers: ClinVar variation 5000248 (VCV005000248.1).
Genomic context (GRCh38, chr7:83,155,000, plus strand): 5'-CAGAGGTTTTCCAGATCCTGTTTGGCTTACTGGTTTTGTAGATTGCTGAGCCGAGGGCTT[T>C]GCTGGGCTAGGCTGTTGAGCTGAGGGTTTTGCTGAGCCAGGCTGTTGAGATGGGGGTTTT-3'
Protein context (NP_149015.2, residues 537-557): AKPSAQQPSP[Ala547=]KPSAQQSTKP